The following is an entry in ClinVar:

NM_020361.5(CPA6):c.266del (p.Asn89fs)

Gene: CPA6 (carboxypeptidase A6; minus strand). Cytogenetic location: 8q13.2.
Variant type: Deletion.
Coding change: c.266del on transcript NM_020361.5 (MANE Select); coding-DNA position 266, one base deleted (A; older notation c.266delA).
Protein change: p.Asn89fs; shifts the reading frame from asparagine 89.
Molecular consequence: frameshift variant.
Genome position (GRCh38, 1-based): chr8:67,517,974, T deleted on the plus strand (A on the coding strand, the reverse complement: CPA6 is on the minus strand); the first of 4 consecutive T bases (chr8:67,517,974-67,517,977); deleting any one gives the same sequence. VCF-style (leftmost placement, unchanged base first): chr8-67517973-AT-A. GRCh37 (hg19) VCF-style: chr8-68430208-AT-A.
Other names: short protein forms N89fs.
Identifiers: ClinVar variation 1032077 (VCV001032077.6), dbSNP rs770265319, ClinGen allele CA4773025.
Genomic context (GRCh38, chr8:67,517,973, plus strand): 5'-GAATGCTTACTTGTACTGGATGTTGGCTTCCTGTAAGAAGGCTAACAGGGCTCGGGAACC[AT>A]TTTGGGGGATATGGACATCAGTAACTGTTCCCTCTGATACATAGGAGATACTGCTGGGCT-3'

ClinVar aggregate classification (germline): Likely benign. Review status: criteria provided, single submitter (1 of 4 stars). 2 submissions from 2 submitters: Likely benign (1). 1 of the submissions does not count toward it. Last evaluated 2020-03-09.

Conditions:
Febrile seizures, familial, 11 (FEB11). Also called: CONVULSIONS, FAMILIAL FEBRILE, 11. Identifiers: MedGen C3280734, MONDO:0024566, OMIM 614418.

Submissions (2):

Labcorp Genetics (formerly Invitae), Labcorp
Classification: Likely benign for Febrile seizures, familial, 11. Last evaluated: 2020-03-09. Review status: criteria provided, single submitter. Criteria: Invitae Variant Classification Sherloc (09022015). Collection method: clinical testing. Allele origin: germline.

Department of Pathology and Laboratory Medicine, Sinai Health System
Classification: Uncertain significance. Review status: no assertion criteria provided. Collection method: clinical testing. Allele origin: unknown. Affected: yes. Study: The Canadian Open Genetics Repository (COGR). Not counted in ClinVar's aggregate classification.
Comment: The CPA6 p.Asn89Metfs*7 variant was not identified in the literature nor was it identified in ClinVar or LOVD 3.0. The variant was identified in dbSNP (ID: rs770265319) and in control databases in 16 of 281882 chromosomes at a frequency of 0.00005676 (Genome Aggregation Database March 6, 2019, v2.1.1). The variant was observed in the following populations: Ashkenazi Jewish in 12 of 10322 chromosomes (freq: 0.001163), Other in 2 of 7192 chromosomes (freq: 0.000278) and European (non-Finnish) in 2 of 128930 chromosomes (freq: 0.000016), but was not observed in the African, Latino, East Asian, European (Finnish), or South Asian populations. The c.266del variant is predicted to cause a frameshift, which alters the protein's amino acid sequence beginning at codon 89 and leads to a premature stop codon 7 codons downstream. This alteration is then predicted to result in a truncated or absent protein and loss of function; the role of loss of function CPA6 variants in disease is currently unclear. The variant occurs outside of the splicing consensus sequence and in silico or computational prediction software programs (SpliceSiteFinder, MaxEntScan, NNSPLICE, GeneSplicer) do not predict a difference in splicing. In summary, based on the above information the clinical significance of this variant cannot be determined with certainty at this time. This variant is classified as a variant of uncertain significance.